The following is an entry in ClinVar:

ClinVar aggregate classification (germline): Uncertain significance (1 of 4 stars; one submission).

gnomAD v4.1: 1 of 1,614,162 alleles (0.000062%); highest among the groups gnomAD compares: African/African-American, 0.0013%; no homozygotes.

Submission:

GeneDx
Classification: Uncertain significance. Last evaluated: 2025-02-05. Review status: criteria provided, single submitter. Criteria: GeneDx Variant Classification Process June 2021. Collection method: clinical testing. Allele origin: germline. Affected: yes.
Comment: Not observed at significant frequency in large population cohorts (gnomAD); In silico analysis supports that this missense variant has a deleterious effect on protein structure/function; Has not been previously published as pathogenic or benign to our knowledge

NM_000399.5(EGR2):c.733G>C (p.Asp245His)

Gene: EGR2 (early growth response 2; minus strand). Cytogenetic location: 10q21.3.
Variant type: single nucleotide variant.
Coding change: c.733G>C on transcript NM_000399.5 (MANE Select); coding-DNA position 733, G replaced by C.
Protein change: p.Asp245His; replaces aspartic acid 245 with histidine.
Molecular consequence: missense variant.
Genome position (GRCh38, 1-based): chr10:62,813,905, C>G on the plus strand (G>C on the coding strand, the complement: EGR2 is on the minus strand). VCF-style: chr10-62813905-C-G. GRCh37 (hg19) VCF-style: chr10-64573665-C-G.
Other names: c.733G>C, p.Asp245His (NM_001136177.3, NM_001136178.2); c.583G>C, p.Asp195His (NM_001136179.3, NM_001321037.2); c.772G>C, p.Asp258His (NM_001410931.1); short protein forms D195H, D245H, D258H.
Identifiers: ClinVar variation 4074445 (VCV004074445.1).